The following is an entry in ClinVar:

ClinVar aggregate classification (germline): Conflicting classifications of pathogenicity. Review status: criteria provided, conflicting classifications (1 of 4 stars). 2 submissions from 2 submitters: Uncertain significance (1); Likely benign (1). Last evaluated 2023-07-25.

Allele frequency attached by ClinVar (database versions not stated): gnomAD exomes 0.00001; TOPMed 0.00001; ExAC 0.00002.
gnomAD v4.1: 20 of 1,613,520 alleles (0.0012%); highest among the groups gnomAD compares: South Asian, 0.02%; no homozygotes.

Submissions (2):

Labcorp Genetics (formerly Invitae), Labcorp
Classification: Likely benign. Last evaluated: 2023-07-25. Review status: criteria provided, single submitter. Criteria: Invitae Variant Classification Sherloc (09022015). Collection method: clinical testing. Allele origin: germline.

Ambry Genetics
Classification: Uncertain significance. Last evaluated: 2021-04-29. Review status: criteria provided, single submitter. Criteria: Ambry Variant Classification Scheme 2023. Collection method: clinical testing. Allele origin: germline.
Comment: The c.1432-5G>C intronic alteration consists of a G to C substitution 5 nucleotides before coding exon 14 in the IARS gene. Based on insufficient or conflicting evidence, the clinical significance of this alteration remains unclear.

NM_002161.6(IARS1):c.1432-5G>C

Gene: IARS1 (isoleucyl-tRNA synthetase 1; minus strand). Cytogenetic location: 9q22.31.
Variant type: single nucleotide variant.
Coding change: c.1432-5G>C on transcript NM_002161.6 (MANE Select); 5 bases into the intron before coding-DNA position 1432, G replaced by C.
Molecular consequence: intron variant.
Genome position (GRCh38, 1-based): chr9:92,265,558, C>G on the plus strand (G>C on the coding strand, the complement: IARS1 is on the minus strand). VCF-style: chr9-92265558-C-G. GRCh37 (hg19) VCF-style: chr9-95027840-C-G.
Other names: c.1432-5G>C (NM_013417.2, NM_001378586.1, NM_001378572.1 and 15 more transcripts); c.1453-5G>C (NM_001378571.1); c.1495-5G>C (NM_001378569.1); c.1309-5G>C (NM_001378583.1).
Identifiers: ClinVar variation 2994497 (VCV002994497.4), dbSNP rs752656493, ClinGen allele CA5122616.